The following is an entry in ClinVar:

NM_004493.3(HSD17B10):c.146C>G (p.Ala49Gly)

Gene: HSD17B10 (hydroxysteroid 17-beta dehydrogenase 10; minus strand). Cytogenetic location: Xp11.22.
Variant type: single nucleotide variant.
Coding change: c.146C>G on transcript NM_004493.3 (MANE Select); coding-DNA position 146, C replaced by G.
Protein change: p.Ala49Gly; replaces alanine 49 with glycine.
Molecular consequence: missense variant.
Genome position (GRCh38, 1-based): chrX:53,433,768, G>C on the plus strand (C>G on the coding strand, the complement: HSD17B10 is on the minus strand). VCF-style: chrX-53433768-G-C. GRCh37 (hg19) VCF-style: chrX-53460715-G-C.
Other names: c.146C>G, p.Ala49Gly (NM_001037811.2); short protein forms A49G.
Identifiers: ClinVar variation 1464665 (VCV001464665.6), dbSNP rs978092932, ClinGen allele CA329176775.

ClinVar aggregate classification (germline): Uncertain significance (1 of 4 stars; one submission).

Submission:

Labcorp Genetics (formerly Invitae), Labcorp
Classification: Uncertain significance. Last evaluated: 2021-09-15. Review status: criteria provided, single submitter. Criteria: Invitae Variant Classification Sherloc (09022015). Collection method: clinical testing. Allele origin: germline.
Comment: This sequence change replaces alanine with glycine at codon 49 of the HSD17B10 protein (p.Ala49Gly). The alanine residue is weakly conserved and there is a small physicochemical difference between alanine and glycine. This variant is not present in population databases (ExAC no frequency). This variant has not been reported in the literature in individuals affected with HSD17B10-related conditions. Algorithms developed to predict the effect of missense changes on protein structure and function (SIFT, PolyPhen-2, Align-GVGD) all suggest that this variant is likely to be tolerated. In summary, the available evidence is currently insufficient to determine the role of this variant in disease. Therefore, it has been classified as a Variant of Uncertain Significance.